The following is an entry in ClinVar:

NM_001142864.4(PIEZO1):c.6926+5G>A

Gene: PIEZO1 (piezo type mechanosensitive ion channel component 1 (Er blood group); minus strand). Cytogenetic location: 16q24.3.
Variant type: single nucleotide variant.
Coding change: c.6926+5G>A on transcript NM_001142864.4 (MANE Select); 5 bases into the intron after coding-DNA position 6926, G replaced by A.
Molecular consequence: intron variant.
Genome position (GRCh38, 1-based): chr16:88,716,554, C>T on the plus strand (G>A on the coding strand, the complement: PIEZO1 is on the minus strand). VCF-style: chr16-88716554-C-T. GRCh37 (hg19) VCF-style: chr16-88782962-C-T.
Identifiers: ClinVar variation 2921237 (VCV002921237.6), dbSNP rs1046326232, ClinGen allele CA286406560.

ClinVar aggregate classification (germline): Uncertain significance. Review status: criteria provided, multiple submitters, no conflicts (2 of 4 stars). 4 submissions from 4 submitters: Uncertain significance (4). Last evaluated 2025-08-28.

Allele frequency attached by ClinVar (database versions not stated): gnomAD exomes 0.00003; gnomAD 0.00004; TOPMed 0.00006.
gnomAD v4.1: 49 of 1,540,364 alleles (0.0032%); highest among the groups gnomAD compares: African/African-American, 0.018%; no homozygotes.

Submissions (4):

Labcorp Genetics (formerly Invitae), Labcorp
Classification: Uncertain significance. Last evaluated: 2025-08-28. Review status: criteria provided, single submitter. Criteria: Invitae Variant Classification Sherloc (09022015). Collection method: clinical testing. Allele origin: germline.
Comment: This sequence change falls in intron 47 of the PIEZO1 gene. It does not directly change the encoded amino acid sequence of the PIEZO1 protein. It affects a nucleotide within the consensus splice site. This variant is present in population databases (no rsID available, gnomAD 0.02%). This variant has not been reported in the literature in individuals affected with PIEZO1-related conditions. ClinVar contains an entry for this variant (Variation ID: 2921237). Variants that disrupt the consensus splice site are a relatively common cause of aberrant splicing (PMID: 17576681, 9536098). Algorithms developed to predict the effect of sequence changes on RNA splicing suggest that this variant may disrupt the consensus splice site. In summary, the available evidence is currently insufficient to determine the role of this variant in disease. Therefore, it has been classified as a Variant of Uncertain Significance.

GeneDx
Classification: Uncertain significance. Last evaluated: 2025-04-13. Review status: criteria provided, single submitter. Criteria: GeneDx Variant Classification Process June 2021. Collection method: clinical testing. Allele origin: germline. Affected: yes.
Comment: In silico analysis indicates that this variant does not alter splicing; Has not been previously published as pathogenic or benign to our knowledge

Revvity Omics, Revvity
Classification: Uncertain significance. Last evaluated: 2023-11-13. Review status: criteria provided, single submitter. Criteria: ACMG Guidelines, 2015. Collection method: clinical testing. Allele origin: germline.

ARUP Laboratories, Molecular Genetics and Genomics, ARUP Laboratories
Classification: Uncertain significance. Review status: criteria provided, single submitter. Criteria: ARUP Molecular Germline Variant Investigation Process 2024. Collection method: clinical testing. Allele origin: germline.

Literature cited by the submitters: PubMed 17576681 (cited by Labcorp Genetics (formerly Invitae), Labcorp); PubMed 9536098 (cited by Labcorp Genetics (formerly Invitae), Labcorp).